The following is an entry in ClinVar:

ClinVar aggregate classification (germline): Uncertain significance. Review status: criteria provided, multiple submitters, no conflicts (2 of 4 stars). 3 submissions from 3 submitters: Uncertain significance (3). Last evaluated 2025-01-27.

Conditions:
Inborn genetic diseases. Identifiers: MedGen C0950123, MeSH D030342.

Allele frequency attached by ClinVar (database versions not stated): gnomAD exomes 0.00001 and 0.00003; ExAC 0.00004; gnomAD 0.00011 and 0.00014; ESP Exome Variant Server 0.00015; TOPMed 0.00019.
gnomAD v4.1: 36 of 1,613,976 alleles (0.0022%); highest among the groups gnomAD compares: African/African-American, 0.044%; no homozygotes.

Submissions (3):

Ambry Genetics
Classification: Uncertain significance for Inborn genetic diseases. Last evaluated: 2025-01-27. Review status: criteria provided, single submitter. Criteria: Ambry Variant Classification Scheme 2023. Collection method: clinical testing. Allele origin: germline.

Labcorp Genetics (formerly Invitae), Labcorp
Classification: Uncertain significance. Last evaluated: 2024-11-18. Review status: criteria provided, single submitter. Criteria: Invitae Variant Classification Sherloc (09022015). Collection method: clinical testing. Allele origin: germline.
Comment: This sequence change replaces glycine, which is neutral and non-polar, with arginine, which is basic and polar, at codon 520 of the COL9A1 protein (p.Gly520Arg). This variant is present in population databases (rs147731531, gnomAD 0.04%). This variant has not been reported in the literature in individuals affected with COL9A1-related conditions. ClinVar contains an entry for this variant (Variation ID: 593373). An algorithm developed to predict the effect of missense changes on protein structure and function (PolyPhen-2) suggests that this variant is likely to be disruptive. In summary, the available evidence is currently insufficient to determine the role of this variant in disease. Therefore, it has been classified as a Variant of Uncertain Significance.

Eurofins Ntd Llc (ga)
Classification: Uncertain significance. Last evaluated: 2018-02-01. Review status: criteria provided, single submitter. Criteria: EGL Classification Definitions 2015. Collection method: clinical testing. Allele origin: germline. Observed: 2 variant alleles, 2 heterozygotes.

NM_001851.6(COL9A1):c.1558G>A (p.Gly520Arg)

Gene: COL9A1 (collagen type IX alpha 1 chain; minus strand). Cytogenetic location: 6q13.
Variant type: single nucleotide variant.
Coding change: c.1558G>A on transcript NM_001851.6 (MANE Select); coding-DNA position 1558, G replaced by A.
Protein change: p.Gly520Arg; replaces glycine 520 with arginine.
Molecular consequence: missense variant. On other transcripts: non-coding transcript variant (1).
Genome position (GRCh38, 1-based): chr6:70,255,203, C>T on the plus strand (G>A on the coding strand, the complement: COL9A1 is on the minus strand). VCF-style: chr6-70255203-C-T. GRCh37 (hg19) VCF-style: chr6-70964906-C-T.
Other names: c.829G>A, p.Gly277Arg (NM_001377289.1, NM_001377290.1, NM_078485.4); short protein forms G520R, G277R.
Identifiers: ClinVar variation 593373 (VCV000593373.12), dbSNP rs147731531, ClinGen allele CA3882132.